The following is an entry in ClinVar:

NM_183387.3(EML5):c.3387C>A (p.Thr1129=)

Gene: EML5 (EMAP like 5; minus strand). Cytogenetic location: 14q31.3.
Variant type: single nucleotide variant.
Coding change: c.3387C>A on transcript NM_183387.3 (MANE Select); coding-DNA position 3387, C replaced by A.
Protein change: p.Thr1129=; no amino-acid change (threonine 1129 retained).
Molecular consequence: synonymous variant.
Genome position (GRCh38, 1-based): chr14:88,664,515, G>T on the plus strand (C>A on the coding strand, the complement: EML5 is on the minus strand). VCF-style: chr14-88664515-G-T. GRCh37 (hg19) VCF-style: chr14-89130859-G-T.
Other names: c.3387C>A, p.Thr1129= (NM_001385116.1, NM_001411033.1).
Identifiers: ClinVar variation 2644443 (VCV002644443.24), dbSNP rs746472023, ClinGen allele CA487279499.
Genomic context (GRCh38, chr14:88,664,515, plus strand): 5'-GAAACTTTTATCAAGTATTAAGTTATTTAAAGTCTTACCTCTAATATCCCAATCAATATG[G>T]GTTATGTAACTGGTAGCTCCTTTGCATATTCCTACTCGTTTACTACTCATTACATTGTAT-3'
Protein context (NP_899243.1, residues 1119-1139): GICKGATSYI[Thr1129=]HIDWDIRGKL

ClinVar aggregate classification (germline): Likely benign (1 of 4 stars; one submission).

gnomAD v4.1: 2 of 1,606,790 alleles (0.00012%); highest among the groups gnomAD compares: Non-Finnish European, 0.00017%; no homozygotes.

Submission:

CeGaT Center for Human Genetics Tuebingen
Classification: Likely benign. Last evaluated: 2023-04-01. Review status: criteria provided, single submitter. Criteria: CeGaT Center For Human Genetics Tuebingen Variant Classification Criteria Version 2. Collection method: clinical testing. Allele origin: germline. Affected: yes. Observed: 1 variant allele.
Comment: EML5: PM2:Supporting, BP4, BP7